The following is an entry in ClinVar:

ClinVar aggregate classification (germline): Uncertain significance (1 of 4 stars; one submission).

Conditions:
Kabuki syndrome. Also called: NIIKAWA-KUROKI SYNDROME; Kabuki make-up syndrome. Identifiers: Orphanet 2322, MedGen C0796004, MONDO:0016512.

Submission:

Labcorp Genetics (formerly Invitae), Labcorp
Classification: Uncertain significance for Kabuki syndrome. Last evaluated: 2023-09-29. Review status: criteria provided, single submitter. Criteria: Invitae Variant Classification Sherloc (09022015). Collection method: clinical testing. Allele origin: germline.
Comment: This sequence change replaces proline, which is neutral and non-polar, with serine, which is neutral and polar, at codon 1022 of the KMT2D protein (p.Pro1022Ser). This variant is not present in population databases (gnomAD no frequency). This variant has not been reported in the literature in individuals affected with KMT2D-related conditions. Advanced modeling of protein sequence and biophysical properties (such as structural, functional, and spatial information, amino acid conservation, physicochemical variation, residue mobility, and thermodynamic stability) performed at Invitae indicates that this missense variant is not expected to disrupt KMT2D protein function. In summary, the available evidence is currently insufficient to determine the role of this variant in disease. Therefore, it has been classified as a Variant of Uncertain Significance.

NM_003482.4(KMT2D):c.3064C>T (p.Pro1022Ser)

Gene: KMT2D (lysine methyltransferase 2D; minus strand). Cytogenetic location: 12q13.12.
Variant type: single nucleotide variant.
Coding change: c.3064C>T on transcript NM_003482.4 (MANE Select); coding-DNA position 3064, C replaced by T.
Protein change: p.Pro1022Ser; replaces proline 1022 with serine.
Molecular consequence: missense variant.
Genome position (GRCh38, 1-based): chr12:49,050,524, G>A on the plus strand (C>T on the coding strand, the complement: KMT2D is on the minus strand). VCF-style: chr12-49050524-G-A. GRCh37 (hg19) VCF-style: chr12-49444307-G-A.
Other names: short protein forms P1022S.
Identifiers: ClinVar variation 2764442 (VCV002764442.3), dbSNP rs2120651979, ClinGen allele CA384659594.
Genomic context (GRCh38, chr12:49,050,524, plus strand): 5'-ACTGGGAAGGAGGGGAGTTTTGGGGAACCAGGGAATGCTGAAGGAGTGGCGAACACTGAG[G>A]AGGAAGGGGCTCCATCAGGATGGGAGAAGCCGGCCCCACTGGGGAGCCTGGAGATGGGGG-3'
Protein context (NP_003473.3, residues 1012-1032): ASPILMEPLP[Pro1022Ser]QCSPLLQHSL